The following is an entry in ClinVar:

ClinVar aggregate classification (germline): Uncertain significance. Review status: criteria provided, multiple submitters, no conflicts (2 of 4 stars). 2 submissions from 2 submitters: Uncertain significance (2). Last evaluated 2022-07-15.

Conditions:
Dyskeratosis congenita, autosomal dominant 2. Identifiers: MedGen C3151443, MONDO:0013521, OMIM 613989.
Idiopathic Pulmonary Fibrosis. Also called: Idiopathic fibrosing alveolitis, chronic form; idiopathic fibrosing alveolitis. Identifiers: Orphanet 2032, MedGen C1800706, MeSH D054990, MONDO:0800504.
Dyskeratosis congenita. Identifiers: Orphanet 1775, MedGen C0265965, MONDO:0015780.

Allele frequency attached by ClinVar (database versions not stated): gnomAD exomes below 0.00001; TOPMed below 0.00001; gnomAD 0.00001.
gnomAD v4.1: 2 of 1,554,994 alleles (0.00013%); highest among the groups gnomAD compares: Non-Finnish European, 0.00017%; no homozygotes.

Submissions (2):

Ambry Genetics
Classification: Uncertain significance for Dyskeratosis congenita. Last evaluated: 2022-07-15. Review status: criteria provided, single submitter. Criteria: Ambry Variant Classification Scheme 2023. Collection method: clinical testing. Allele origin: germline.
Comment: The p.G674D variant (also known as c.2021G>A), located in coding exon 5 of the TERT gene, results from a G to A substitution at nucleotide position 2021. The glycine at codon 674 is replaced by aspartic acid, an amino acid with similar properties. This amino acid position is conserved. In addition, this alteration is predicted to be tolerated by in silico analysis. Since supporting evidence is limited at this time, the clinical significance of this alteration remains unclear.

Labcorp Genetics (formerly Invitae), Labcorp
Classification: Uncertain significance for Dyskeratosis congenita, autosomal dominant 2; Idiopathic Pulmonary Fibrosis. Last evaluated: 2022-06-15. Review status: criteria provided, single submitter. Criteria: Invitae Variant Classification Sherloc (09022015). Collection method: clinical testing. Allele origin: germline.
Comment: This variant is present in population databases (no rsID available, gnomAD 0.007%). This variant has not been reported in the literature in individuals affected with TERT-related conditions. ClinVar contains an entry for this variant (Variation ID: 539221). Advanced modeling of protein sequence and biophysical properties (such as structural, functional, and spatial information, amino acid conservation, physicochemical variation, residue mobility, and thermodynamic stability) performed at Invitae indicates that this missense variant is not expected to disrupt TERT protein function. In summary, the available evidence is currently insufficient to determine the role of this variant in disease. Therefore, it has been classified as a Variant of Uncertain Significance. This sequence change replaces glycine, which is neutral and non-polar, with aspartic acid, which is acidic and polar, at codon 674 of the TERT protein (p.Gly674Asp).

NM_198253.3(TERT):c.2021G>A (p.Gly674Asp)

Gene: TERT (telomerase reverse transcriptase; minus strand). Cytogenetic location: 5p15.33.
Variant type: single nucleotide variant.
Coding change: c.2021G>A on transcript NM_198253.3 (MANE Select); coding-DNA position 2021, G replaced by A.
Protein change: p.Gly674Asp; replaces glycine 674 with aspartic acid.
Molecular consequence: missense variant. On other transcripts: non-coding transcript variant (2).
Genome position (GRCh38, 1-based): chr5:1,279,400, C>T on the plus strand (G>A on the coding strand, the complement: TERT is on the minus strand). VCF-style: chr5-1279400-C-T. GRCh37 (hg19) VCF-style: chr5-1279515-C-T.
Other names: c.2021G>A, p.Gly674Asp (NM_001193376.3); short protein forms G674D.
Identifiers: ClinVar variation 539221 (VCV000539221.11), dbSNP rs1238092784, ClinGen allele CA359080369.
Genomic context (GRCh38, chr5:1,279,400, plus strand): 5'-ACGAAGGTGCGCCAGGCCCTGTGGATATCGTCCAGGCCCAGCACAGAGGCGCCCAGGAGG[C>T]CGGGGCGCCGCGCCCGCTCGTAGTTGAGCACGCTGAACAGTGCCTTCACCCTCGAGGTGA-3'
Protein context (NP_937983.2, residues 664-684): VLNYERARRP[Gly674Asp]LLGASVLGLD